The following is an entry in ClinVar:

ClinVar aggregate classification (germline): Likely pathogenic (1 of 4 stars; one submission).

Conditions:
Multiple congenital anomalies-hypotonia-seizures syndrome 1 (MCAHS1). Also called: PIGN-CDG; Congenital disorder of glycosylation due to PIGN deficiency; GLYCOSYLPHOSPHATIDYLINOSITOL BIOSYNTHESIS DEFECT 3. Identifiers: Orphanet 280633, MedGen C3279775, MONDO:0013563, OMIM 614080.

Allele frequency attached by ClinVar (database versions not stated): TOPMed below 0.00001; gnomAD 0.00001.
gnomAD v4.1: 1 of 1,610,952 alleles (0.000062%); no homozygotes.

Submission:

Labcorp Genetics (formerly Invitae), Labcorp
Classification: Likely pathogenic for Multiple congenital anomalies-hypotonia-seizures syndrome 1. Last evaluated: 2019-08-23. Review status: criteria provided, single submitter. Criteria: Invitae Variant Classification Sherloc (09022015). Collection method: clinical testing. Allele origin: germline.
Comment: In summary, the currently available evidence indicates that the variant is pathogenic, but additional data are needed to prove that conclusively. Therefore, this variant has been classified as Likely Pathogenic. This variant is not present in population databases (ExAC no frequency). This variant has not been reported in the literature in individuals with PIGN-related conditions. Algorithms developed to predict the effect of sequence changes on RNA splicing suggest that this variant may disrupt the consensus splice site, but this prediction has not been confirmed by published transcriptional studies. Donor and acceptor splice site variants typically lead to a loss of protein function (PMID: 16199547), and loss-of-function variants in PIGN are known to be pathogenic (PMID: 24253414, 27038415). This sequence change affects a donor splice site in intron 9 of the PIGN gene. It is expected to disrupt RNA splicing and likely results in an absent or disrupted protein product.

Literature cited by the submitters: PubMed 16199547; PubMed 24253414; PubMed 27038415.

NM_176787.5(PIGN):c.805+2T>C

Gene: PIGN (phosphatidylinositol glycan anchor biosynthesis class N; minus strand). Cytogenetic location: 18q21.33.
Variant type: single nucleotide variant.
Coding change: c.805+2T>C on transcript NM_176787.5 (MANE Select); the canonical splice donor site of the intron after coding-DNA position 805, T replaced by C.
Molecular consequence: splice donor variant.
Genome position (GRCh38, 1-based): chr18:62,146,969, A>G on the plus strand (T>C on the coding strand, the complement: PIGN is on the minus strand). VCF-style: chr18-62146969-A-G. GRCh37 (hg19) VCF-style: chr18-59814202-A-G.
Other names: c.805+2T>C (NM_012327.6).
Identifiers: ClinVar variation 937221 (VCV000937221.8), dbSNP rs2036353930, ClinGen allele CA402601418.